The following is an entry in ClinVar:

NM_000051.4(ATM):c.6065G>A (p.Gly2022Asp)

Genes: ATM (ATM serine/threonine kinase; plus strand), C11orf65 (chromosome 11 open reading frame 65; minus strand). Cytogenetic location: 11q22.3.
Variant type: single nucleotide variant.
Coding change: c.6065G>A on transcript NM_000051.4 (MANE Select); coding-DNA position 6065, G replaced by A.
Protein change: p.Gly2022Asp; replaces glycine 2022 with aspartic acid.
Molecular consequence: missense variant. On other transcripts: intron variant (2).
Genome position (GRCh38, 1-based): chr11:108,315,881, G>A. VCF-style: chr11-108315881-G-A. GRCh37 (hg19) VCF-style: chr11-108186608-G-A.
Other names: c.6065G>A, p.Gly2022Asp (NM_001351834.2); c.641-6810C>T (NM_001330368.2); c.*39-6810C>T (NM_001351110.2); short protein forms G2022D.
Identifiers: ClinVar variation 826166 (VCV000826166.14), dbSNP rs1591777028, ClinGen allele CA382550064.

ClinVar aggregate classification (germline): Uncertain significance. Review status: criteria provided, multiple submitters, no conflicts (2 of 4 stars). 2 submissions from 2 submitters: Uncertain significance (2). Last evaluated 2025-06-15.

Conditions:
Hereditary cancer-predisposing syndrome. Also called: Tumor predisposition; Neoplastic Syndromes, Hereditary; Hereditary Cancer Syndrome; Hereditary neoplastic syndrome. Identifiers: Orphanet 140162, MedGen C0027672, MeSH D009386, MONDO:0015356.
Ataxia-telangiectasia syndrome (AT). Also called: ATAXIA-TELANGIECTASIA, COMPLEMENTATION GROUP A; ATAXIA-TELANGIECTASIA, FRESNO VARIANT; Ataxia-telangiectasia; Ataxia-telangiectasia, complementation group D; AT, COMPLEMENTATION GROUP C; Ataxia-telangiectasia, complementation group E. Identifiers: Orphanet 100, MedGen C0004135, MONDO:0008840, OMIM 208900.

Submissions (2):

Labcorp Genetics (formerly Invitae), Labcorp
Classification: Uncertain significance for Ataxia-telangiectasia syndrome. Last evaluated: 2025-06-15. Review status: criteria provided, single submitter. Criteria: Invitae Variant Classification Sherloc (09022015). Collection method: clinical testing. Allele origin: germline.
Comment: This sequence change replaces glycine, which is neutral and non-polar, with aspartic acid, which is acidic and polar, at codon 2022 of the ATM protein (p.Gly2022Asp). This variant is not present in population databases (gnomAD no frequency). This variant has not been reported in the literature in individuals affected with ATM-related conditions. ClinVar contains an entry for this variant (Variation ID: 826166). Invitae Evidence Modeling of protein sequence and biophysical properties (such as structural, functional, and spatial information, amino acid conservation, physicochemical variation, residue mobility, and thermodynamic stability) has been performed for this missense variant. However, the output from this modeling did not meet the statistical confidence thresholds required to predict the impact of this variant on ATM protein function. In summary, the available evidence is currently insufficient to determine the role of this variant in disease. Therefore, it has been classified as a Variant of Uncertain Significance.

Ambry Genetics
Classification: Uncertain significance for Hereditary cancer-predisposing syndrome. Last evaluated: 2021-12-22. Review status: criteria provided, single submitter. Criteria: Ambry Variant Classification Scheme 2023. Collection method: clinical testing. Allele origin: germline.
Comment: The p.G2022D variant (also known as c.6065G>A), located in coding exon 40 of the ATM gene, results from a G to A substitution at nucleotide position 6065. The glycine at codon 2022 is replaced by aspartic acid, an amino acid with similar properties. This amino acid position is highly conserved in available vertebrate species. In addition, the in silico prediction for this alteration is inconclusive. Since supporting evidence is limited at this time, the clinical significance of this alteration remains unclear.